The following is an entry in ClinVar:

ClinVar aggregate classification (germline): Benign/Likely benign. Review status: criteria provided, multiple submitters, no conflicts (2 of 4 stars). 4 submissions from 4 submitters: Benign (1); Likely benign (2). 1 of the submissions does not count toward it. Last evaluated 2025-07-30.

Conditions:
SON-related disorder. Also called: SON-related condition.

Allele frequency attached by ClinVar (database versions not stated): ESP Exome Variant Server 0.00015; gnomAD 0.00036 and 0.00056; gnomAD exomes 0.00045 and 0.00106; TOPMed 0.00073; ExAC 0.00118; 1000 Genomes Project 30x 0.00312; 1000 Genomes Project 0.00359.
gnomAD v4.1: 739 of 1,613,914 alleles (0.046%); highest among the groups gnomAD compares: East Asian, 1.2%; 6 homozygotes.

Submissions (4):

Labcorp Genetics (formerly Invitae), Labcorp
Classification: Benign. Last evaluated: 2025-07-30. Review status: criteria provided, single submitter. Criteria: Invitae Variant Classification Sherloc (09022015). Collection method: clinical testing. Allele origin: germline.

Blueprint Genetics
Classification: Likely benign. Last evaluated: 2024-11-04. Review status: criteria provided, single submitter. Criteria: ACMG Guidelines, 2015. Collection method: clinical testing. Allele origin: germline.

CeGaT Center for Human Genetics Tuebingen
Classification: Likely benign. Last evaluated: 2024-05-01. Review status: criteria provided, single submitter. Criteria: CeGaT Center For Human Genetics Tuebingen Variant Classification Criteria Version 2. Collection method: clinical testing. Allele origin: germline. Affected: yes. Observed: 2 variant alleles.
Comment: SON: BP4, BP7, BS1

PreventionGenetics, part of Exact Sciences
Classification: Benign for SON-related condition. Last evaluated: 2019-06-13. Review status: no assertion criteria provided. Collection method: clinical testing. Allele origin: germline. Not counted in ClinVar's aggregate classification.
Comment: This variant is classified as benign based on ACMG/AMP sequence variant interpretation guidelines (Richards et al. 2015 PMID: 25741868, with internal and published modifications).

NM_138927.4(SON):c.2661G>A (p.Ala887=)

Gene: SON (SON DNA and RNA binding protein; plus strand). Cytogenetic location: 21q22.11.
Variant type: single nucleotide variant.
Coding change: c.2661G>A on transcript NM_138927.4 (MANE Select); coding-DNA position 2661, G replaced by A.
Protein change: p.Ala887=; no amino-acid change (alanine 887 retained).
Molecular consequence: synonymous variant. On other transcripts: non-coding transcript variant (1), intron variant (1).
Genome position (GRCh38, 1-based): chr21:33,551,892, G>A. VCF-style: chr21-33551892-G-A. GRCh37 (hg19) VCF-style: chr21-34924198-G-A.
Other names: c.2661G>A, p.Ala887= (NM_001291411.2, NM_032195.3); c.245-5264G>A (NM_001291412.3); c.2661G>A (NM_138927.2).
Identifiers: ClinVar variation 747785 (VCV000747785.33), dbSNP rs117188819, ClinGen allele CA10009149.